The following is an entry in ClinVar:

ClinVar aggregate classification (germline): Conflicting classifications of pathogenicity. Review status: criteria provided, conflicting classifications (1 of 4 stars). 4 submissions from 4 submitters: Likely pathogenic (1); Uncertain significance (2). 1 of the submissions does not count toward it. Last evaluated 2023-12-22.

Conditions:
Neurodevelopmental disorder with microcephaly, epilepsy, and hypomyelination. Identifiers: Orphanet 597874, MedGen C5193057, MONDO:0032705, OMIM 618367.

Allele frequency attached by ClinVar (database versions not stated): gnomAD 0.00002; TOPMed 0.00002; ExAC 0.00003; gnomAD exomes 0.00003.
gnomAD v4.1: 49 of 1,614,016 alleles (0.003%); highest among the groups gnomAD compares: Middle Eastern, 0.016%; no homozygotes.

Submissions (4):

Labcorp Genetics (formerly Invitae), Labcorp
Classification: Uncertain significance. Last evaluated: 2023-12-22. Review status: criteria provided, single submitter. Criteria: Invitae Variant Classification Sherloc (09022015). Collection method: clinical testing. Allele origin: germline.
Comment: This sequence change replaces arginine, which is basic and polar, with glutamine, which is neutral and polar, at codon 145 of the MTHFS protein (p.Arg145Gln). This variant is present in population databases (rs753635972, gnomAD 0.01%). This missense change has been observed in individual(s) with clinical features of 5,10-methenyltetrahydrofolate synthetase deficiency (PMID: 30031689). ClinVar contains an entry for this variant (Variation ID: 522831). An algorithm developed to predict the effect of missense changes on protein structure and function (PolyPhen-2) suggests that this variant is likely to be disruptive. In summary, the available evidence is currently insufficient to determine the role of this variant in disease. Therefore, it has been classified as a Variant of Uncertain Significance.

Laboratorio de Genetica e Diagnostico Molecular, Hospital Israelita Albert Einstein
Classification: Uncertain significance for Neurodevelopmental disorder with microcephaly, epilepsy, and hypomyelination. Last evaluated: 2023-05-12. Review status: criteria provided, single submitter. Criteria: ACMG Guidelines, 2015. Collection method: clinical testing. Allele origin: germline. Affected: yes.
Comment: ACMG classification criteria: PM2 supporting, PM3 moderate, PP3 supporting

Undiagnosed Diseases Network, NIH
Classification: Likely pathogenic for Neurodevelopmental disorder with microcephaly, epilepsy, and hypomyelination. Last evaluated: 2019-04-30. Review status: criteria provided, single submitter. Criteria: ACMG Guidelines, 2015. Collection method: clinical testing. Allele origin: maternal. Inheritance: Autosomal recessive inheritance. Affected: yes. Observed: 1 variant allele, 1 compound heterozygote. Study: Undiagnosed Diseases Network (NIH), UDN.

OMIM
Classification: Pathogenic for NEURODEVELOPMENTAL DISORDER WITH MICROCEPHALY, EPILEPSY, AND HYPOMYELINATION. Last evaluated: 2019-03-27. Review status: no assertion criteria provided. Collection method: literature only. Allele origin: germline. Not counted in ClinVar's aggregate classification.

Literature cited by the submitters: PubMed 30031689 (cited by Labcorp Genetics (formerly Invitae), Labcorp and OMIM).

NM_006441.4(MTHFS):c.434G>A (p.Arg145Gln)

Genes: MTHFS (methenyltetrahydrofolate synthetase; minus strand), ST20-MTHFS (ST20-MTHFS readthrough; minus strand). Cytogenetic location: 15q25.1.
Variant type: single nucleotide variant.
Coding change: c.434G>A on transcript NM_006441.4 (MANE Select); coding-DNA position 434, G replaced by A.
Protein change: p.Arg145Gln; replaces arginine 145 with glutamine.
Molecular consequence: missense variant. On other transcripts: non-coding transcript variant (1).
Genome position (GRCh38, 1-based): chr15:79,845,388, C>T on the plus strand (G>A on the coding strand, the complement: MTHFS is on the minus strand). VCF-style: chr15-79845388-C-T. GRCh37 (hg19) VCF-style: chr15-80137730-C-T.
Other names: c.362G>A, p.Arg121Gln (NM_001199760.2); c.263G>A, p.Arg88Gln (NM_001199758.1); short protein forms R145Q, R88Q, R121Q.
Identifiers: ClinVar variation 522831 (VCV000522831.7), dbSNP rs753635972, ClinGen allele CA7690281.